The following is an entry in ClinVar:

NM_004998.4(MYO1E):c.310_313del (p.Glu104fs)

Gene: MYO1E (myosin IE; minus strand). Cytogenetic location: 15q22.2.
Variant type: Microsatellite.
Coding change: c.310_313del on transcript NM_004998.4 (MANE Select); coding-DNA positions 310 to 313, 4 bases deleted (GAGA; older notation c.310_313delGAGA).
Protein change: p.Glu104fs; shifts the reading frame from glutamic acid 104.
Molecular consequence: frameshift variant.
Genome position (GRCh38, 1-based): chr15:59,256,303-59,256,306, TCTC deleted on the plus strand (GAGA on the coding strand, the reverse complement: MYO1E is on the minus strand); deleting any 4 consecutive bases within chr15:59,256,303-59,256,309 gives the same sequence; the c. name uses the placement nearest the transcript's 3' end. VCF-style (leftmost placement, unchanged base first): chr15-59256302-TTCTC-T. GRCh37 (hg19) VCF-style: chr15-59548501-TTCTC-T.
Other names: short protein forms E104fs.
Identifiers: ClinVar variation 3577584 (VCV003577584.2).

ClinVar aggregate classification (germline): Pathogenic/Likely pathogenic. Review status: criteria provided, multiple submitters, no conflicts (2 of 4 stars). 2 submissions from 2 submitters: Pathogenic (1); Likely pathogenic (1). Last evaluated 2025-05-13.

Conditions:
Focal segmental glomerulosclerosis 6 (FSGS6). Identifiers: Orphanet 656, MedGen C3279905, MONDO:0013589, OMIM 614131.

Submissions (2):

Labcorp Genetics (formerly Invitae), Labcorp
Classification: Pathogenic. Last evaluated: 2025-05-13. Review status: criteria provided, single submitter. Criteria: Invitae Variant Classification Sherloc (09022015). Collection method: clinical testing. Allele origin: germline.
Comment: This sequence change creates a premature translational stop signal (p.Glu104Thrfs*22) in the MYO1E gene. It is expected to result in an absent or disrupted protein product. Loss-of-function variants in MYO1E are known to be pathogenic (PMID: 21756023, 23595123, 25349199). This variant is not present in population databases (gnomAD no frequency). This variant has not been reported in the literature in individuals affected with MYO1E-related conditions. For these reasons, this variant has been classified as Pathogenic.

Fulgent Genetics
Classification: Likely pathogenic for Focal segmental glomerulosclerosis 6. Last evaluated: 2024-06-10. Review status: criteria provided, single submitter. Criteria: ACMG Guidelines, 2015. Collection method: clinical testing. Allele origin: germline.

Literature cited by the submitters: PubMed 21756023 (cited by Labcorp Genetics (formerly Invitae), Labcorp); PubMed 23595123 (cited by Labcorp Genetics (formerly Invitae), Labcorp); PubMed 25349199 (cited by Labcorp Genetics (formerly Invitae), Labcorp).